The following is an entry in ClinVar:

ClinVar aggregate classification (germline): Uncertain significance. Review status: criteria provided, multiple submitters, no conflicts (2 of 4 stars). 7 submissions from 7 submitters: Uncertain significance (6). 1 of the submissions does not count toward it. Last evaluated 2025-05-18.

Conditions:
Familial cancer of breast. Also called: BREAST CANCER, FAMILIAL; Hereditary breast cancer; hereditary breast carcinoma. Identifiers: Orphanet 227535, MedGen C0346153, MONDO:0016419, OMIM 114480. Disease mechanism: loss of function.
Ataxia-telangiectasia syndrome (AT). Also called: LOUIS-BAR SYNDROME; Ataxia telangiectasia (A-T); Cerebello-oculocutaneous telangiectasia; Immunodeficiency with ataxia telangiectasia; Ataxia-telangiectasia, complementation group E; ATAXIA-TELANGIECTASIA, COMPLEMENTATION GROUP A. Identifiers: Orphanet 100, MedGen C0004135, MONDO:0008840, OMIM 208900.
ATM-related cancer predisposition. Also called: ATM-related cancer susceptibility. Identifiers: MedGen CN377759, MONDO:0700270.
Hereditary cancer-predisposing syndrome. Also called: Hereditary Cancer Syndrome; Tumor predisposition; Neoplastic Syndromes, Hereditary; Hereditary neoplastic syndrome. Identifiers: Orphanet 140162, MedGen C0027672, MeSH D009386, MONDO:0015356.

Allele frequency attached by ClinVar (database versions not stated): gnomAD exomes 0.00001; ExAC 0.00001.
gnomAD v4.1: 10 of 1,613,794 alleles (0.00062%); highest among the groups gnomAD compares: South Asian, 0.011%; no homozygotes.

Submissions (7):

Labcorp Genetics (formerly Invitae), Labcorp
Classification: Uncertain significance for Ataxia-telangiectasia syndrome. Last evaluated: 2025-05-18. Review status: criteria provided, single submitter. Criteria: Invitae Variant Classification Sherloc (09022015). Collection method: clinical testing. Allele origin: germline.
Comment: This sequence change replaces glycine, which is neutral and non-polar, with alanine, which is neutral and non-polar, at codon 330 of the ATM protein (p.Gly330Ala). This variant is present in population databases (rs762179829, gnomAD 0.01%). This variant has not been reported in the literature in individuals affected with ATM-related conditions. ClinVar contains an entry for this variant (Variation ID: 482661). Invitae Evidence Modeling of protein sequence and biophysical properties (such as structural, functional, and spatial information, amino acid conservation, physicochemical variation, residue mobility, and thermodynamic stability) indicates that this missense variant is not expected to disrupt ATM protein function with a negative predictive value of 95%. In summary, the available evidence is currently insufficient to determine the role of this variant in disease. Therefore, it has been classified as a Variant of Uncertain Significance.

Ambry Genetics
Classification: Uncertain significance for Hereditary cancer-predisposing syndrome. Last evaluated: 2025-04-07. Review status: criteria provided, single submitter. Criteria: Ambry Variant Classification Scheme 2023. Collection method: clinical testing. Allele origin: germline.
Comment: The p.G330A variant (also known as c.989G>C), located in coding exon 7 of the ATM gene, results from a G to C substitution at nucleotide position 989. The glycine at codon 330 is replaced by alanine, an amino acid with similar properties. This amino acid position is highly conserved in available vertebrate species. In addition, the in silico prediction for this alteration is inconclusive. Since supporting evidence is limited at this time, the clinical significance of this alteration remains unclear.

Department of Pathology and Laboratory Medicine, Sinai Health System
Classification: Uncertain significance for ATM-related cancer predisposition. Last evaluated: 2024-09-03. Review status: criteria provided, single submitter. Criteria: ACMG Guidelines, 2015. Collection method: clinical testing. Allele origin: germline.

Color Diagnostics, LLC DBA Color Health
Classification: Uncertain significance for Hereditary cancer-predisposing syndrome. Last evaluated: 2024-03-06. Review status: criteria provided, single submitter. Criteria: ACMG Guidelines, 2015. Collection method: clinical testing. Allele origin: germline.
Comment: This missense variant replaces glycine with alanine at codon 330 of the ATM protein. Computational prediction tool suggests that this variant may not impact protein structure and function (internally defined REVEL score threshold <= 0.5, PMID: 27666373). Splice site prediction tools suggest that this variant may not impact RNA splicing. To our knowledge, functional studies have not been performed for this variant. This variant has not been reported in individuals affected with hereditary cancer in the literature. This variant has been identified in 3/251172 chromosomes in the general population by the Genome Aggregation Database (gnomAD). The available evidence is insufficient to determine the role of this variant in disease conclusively. Therefore, this variant is classified as a Variant of Uncertain Significance.

Baylor Genetics
Classification: Uncertain significance for Familial cancer of breast. Last evaluated: 2024-02-22. Review status: criteria provided, single submitter. Criteria: ACMG Guidelines, 2015. Collection method: clinical testing. Allele origin: unknown.

GeneDx
Classification: Uncertain significance. Last evaluated: 2022-08-29. Review status: criteria provided, single submitter. Criteria: GeneDx Variant Classification Process June 2021. Collection method: clinical testing. Allele origin: germline. Affected: yes.
Comment: Not observed at significant frequency in large population cohorts (gnomAD); In silico analysis supports that this missense variant does not alter protein structure/function; Has not been previously published as pathogenic or benign to our knowledge

Natera, Inc.
Classification: Uncertain significance for Ataxia-telangiectasia. Last evaluated: 2019-10-28. Review status: no assertion criteria provided. Collection method: clinical testing. Allele origin: germline. Not counted in ClinVar's aggregate classification.

NM_000051.4(ATM):c.989G>C (p.Gly330Ala)

Gene: ATM (ATM serine/threonine kinase; plus strand). Cytogenetic location: 11q22.3.
Variant type: single nucleotide variant.
Coding change: c.989G>C on transcript NM_000051.4 (MANE Select); coding-DNA position 989, G replaced by C.
Protein change: p.Gly330Ala; replaces glycine 330 with alanine.
Molecular consequence: missense variant.
Genome position (GRCh38, 1-based): chr11:108,247,051, G>C. VCF-style: chr11-108247051-G-C. GRCh37 (hg19) VCF-style: chr11-108117778-G-C.
Other names: c.989G>C, p.Gly330Ala (NM_001351834.2); short protein forms G330A.
Identifiers: ClinVar variation 482661 (VCV000482661.25), dbSNP rs762179829, ClinGen allele CA6264715.